The following is an entry in ClinVar:

NM_000540.3(RYR1):c.10443G>A (p.Ala3481=)

Gene: RYR1 (ryanodine receptor 1; plus strand). Cytogenetic location: 19q13.2.
Variant type: single nucleotide variant.
Coding change: c.10443G>A on transcript NM_000540.3 (MANE Select); coding-DNA position 10443, G replaced by A.
Protein change: p.Ala3481=; no amino-acid change (alanine 3481 retained).
Molecular consequence: synonymous variant. On other transcripts: intron variant (1).
Genome position (GRCh38, 1-based): chr19:38,523,917, G>A. VCF-style: chr19-38523917-G-A. GRCh37 (hg19) VCF-style: chr19-39014557-G-A.
Other names: c.10440+608G>A (NM_001042723.2).
Identifiers: ClinVar variation 680548 (VCV000680548.15), dbSNP rs375169031, ClinGen allele CA053558.
Genomic context (GRCh38, chr19:38,523,917, plus strand): 5'-GCTTCTCTGCGGGGCTGGGGTAACCCTTCTTGTCTCTGTCTGCGGTCCGGTGAAGCAGGC[G>A]GGAGATATACAGGTCAGCCCCACATCTGGGACCTTCCGCATGTCTCTTGGCTAATGCCCT-3'
Protein context (NP_000531.2, residues 3471-3491): TADNKSKMAK[Ala3481=]GDIQSGGSDQ

ClinVar aggregate classification (germline): Likely benign. Review status: criteria provided, multiple submitters, no conflicts (2 of 4 stars). 5 submissions from 5 submitters: Likely benign (4). 1 of the submissions does not count toward it. Last evaluated 2025-11-11.

Conditions:
Malignant hyperthermia, susceptibility to, 1 (MHS1). Also called: RYR1-Related Malignant Hyperthermia Susceptibility; Anesthesia related hyperthermia; Malignant hyperpyrexia; Fulminating hyperpyrexia; Pharmacogenic myopathy; Malignant hyperthermia suceptibility 1. Identifiers: Orphanet 423, MedGen C2930980, MONDO:0007783, OMIM 145600.
RYR1-related disorder. Also called: RYR1-related disorders; RYR1-related condition. Identifiers: MedGen CN239331.

Allele frequency attached by ClinVar (database versions not stated): ExAC 0.00001; gnomAD 0.00001; gnomAD exomes 0.00002; TOPMed 0.00002; ESP Exome Variant Server 0.00008.
gnomAD v4.1: 34 of 1,613,804 alleles (0.0021%); highest among the groups gnomAD compares: Non-Finnish European, 0.0025%; no homozygotes.

Submissions (5):

Labcorp Genetics (formerly Invitae), Labcorp
Classification: Likely benign for RYR1-related disorder. Last evaluated: 2025-11-11. Review status: criteria provided, single submitter. Criteria: Invitae Variant Classification Sherloc (09022015). Collection method: clinical testing. Allele origin: germline.

All of Us Research Program, National Institutes of Health
Classification: Likely benign for Malignant hyperthermia, susceptibility to, 1. Last evaluated: 2023-08-14. Review status: criteria provided, single submitter. Criteria: ACMG Guidelines, 2015. Collection method: clinical testing. Allele origin: germline. Inheritance: Autosomal dominant inheritance. Observed: 4 variant alleles, 4 heterozygotes.
Comment: This study involves interpretation of variants in research participants for the purpose of population health screening. Participant phenotype was not available at the time of variant classification. Additional details can be found in publication PMID: 35346344, PMCID: PMC8962531

Color Diagnostics, LLC DBA Color Health
Classification: Likely benign for Malignant hyperthermia, susceptibility to, 1. Last evaluated: 2022-11-06. Review status: criteria provided, single submitter. Criteria: ACMG Guidelines, 2015. Collection method: clinical testing. Allele origin: germline.

GeneDx
Classification: Likely benign. Last evaluated: 2018-03-20. Review status: criteria provided, single submitter. Criteria: GeneDx Variant Classification (06012015). Collection method: clinical testing. Allele origin: germline. Affected: yes.
Comment: This variant is considered likely benign or benign based on one or more of the following criteria: it is a conservative change, it occurs at a poorly conserved position in the protein, it is predicted to be benign by multiple in silico algorithms, and/or has population frequency not consistent with disease.

PreventionGenetics, part of Exact Sciences
Classification: Likely benign for RYR1-related condition. Last evaluated: 2020-11-28. Review status: no assertion criteria provided. Collection method: clinical testing. Allele origin: germline. Not counted in ClinVar's aggregate classification.
Comment: This variant is classified as likely benign based on ACMG/AMP sequence variant interpretation guidelines (Richards et al. 2015 PMID: 25741868, with internal and published modifications).